The following is an entry in ClinVar:

ClinVar aggregate classification (germline): Pathogenic/Likely pathogenic. Review status: criteria provided, multiple submitters, no conflicts (2 of 4 stars). 3 submissions from 3 submitters: Pathogenic (2); Likely pathogenic (1). Last evaluated 2024-12-17.

Conditions:
RHO-related disorder. Also called: RHO-related condition.
Retinal disorder. Also called: Retinopathy; Retinopathies; Retinal Diseases; Retinal disorders. Identifiers: MedGen C0035309, MONDO:0005283, HP:0000488.

Submissions (3):

Labcorp Genetics (formerly Invitae), Labcorp
Classification: Pathogenic. Last evaluated: 2024-12-17. Review status: criteria provided, single submitter. Criteria: Invitae Variant Classification Sherloc (09022015). Collection method: clinical testing. Allele origin: germline.
Comment: This sequence change replaces serine, which is neutral and polar, with arginine, which is basic and polar, at codon 297 of the RHO protein (p.Ser297Arg). This variant is not present in population databases (gnomAD no frequency). This missense change has been observed in individuals with autosomal dominant retinitis pigmentosa (PMID: 7987331, 10967073; internal data). Invitae Evidence Modeling of protein sequence and biophysical properties (such as structural, functional, and spatial information, amino acid conservation, physicochemical variation, residue mobility, and thermodynamic stability) indicates that this missense variant is expected to disrupt RHO protein function with a positive predictive value of 95%. Experimental studies have shown that this missense change affects RHO function (PMID: 9380676, 30977563). For these reasons, this variant has been classified as Pathogenic.

Blueprint Genetics
Classification: Pathogenic for RHO-related disorders. Last evaluated: 2022-09-23. Review status: criteria provided, single submitter. Criteria: ACMG Guidelines, 2015. Collection method: clinical testing. Allele origin: germline. Affected: yes. Observed: 1 variant allele.

AURAGEN, Plan France Médecine Génomique
Classification: Likely pathogenic for Retinal disorder. Last evaluated: 2022-06-07. Review status: criteria provided, single submitter. Criteria: PFMG2025 (Lancet Reg Health Eur. 2025). Collection method: clinical testing. Allele origin: germline. Affected: yes.

Literature cited by the submitters: PubMed 7987331 (cited by Labcorp Genetics (formerly Invitae), Labcorp); PubMed 10967073 (cited by Labcorp Genetics (formerly Invitae), Labcorp); PubMed 9380676 (cited by Labcorp Genetics (formerly Invitae), Labcorp); PubMed 30977563 (cited by Labcorp Genetics (formerly Invitae), Labcorp).

NM_000539.3(RHO):c.891C>A (p.Ser297Arg)

Gene: RHO (rhodopsin; plus strand). Cytogenetic location: 3q22.1.
Variant type: single nucleotide variant.
Coding change: c.891C>A on transcript NM_000539.3 (MANE Select); coding-DNA position 891, C replaced by A.
Protein change: p.Ser297Arg; replaces serine 297 with arginine.
Molecular consequence: missense variant.
Genome position (GRCh38, 1-based): chr3:129,532,727, C>A. VCF-style: chr3-129532727-C-A. GRCh37 (hg19) VCF-style: chr3-129251570-C-A.
Other names: short protein forms S297R.
Identifiers: ClinVar variation 3720532 (VCV003720532.4).